The following is an entry in ClinVar:

NM_032043.3(BRIP1):c.604A>T (p.Ile202Leu)

Gene: BRIP1 (BRCA1 interacting DNA helicase 1; minus strand). Cytogenetic location: 17q23.2.
Variant type: single nucleotide variant.
Coding change: c.604A>T on transcript NM_032043.3 (MANE Select); coding-DNA position 604, A replaced by T.
Protein change: p.Ile202Leu; replaces isoleucine 202 with leucine.
Molecular consequence: missense variant.
Genome position (GRCh38, 1-based): chr17:61,847,124, T>A on the plus strand (A>T on the coding strand, the complement: BRIP1 is on the minus strand). VCF-style: chr17-61847124-T-A. GRCh37 (hg19) VCF-style: chr17-59924485-T-A.
Other names: short protein forms I202L.
Identifiers: ClinVar variation 864662 (VCV000864662.10), dbSNP rs778275257, ClinGen allele CA400482884.

ClinVar aggregate classification (germline): Uncertain significance (1 of 4 stars; one submission).

Conditions:
Familial cancer of breast. Also called: hereditary breast carcinoma; BREAST CANCER, FAMILIAL; Hereditary breast cancer. Identifiers: Orphanet 227535, MedGen C0346153, MONDO:0016419, OMIM 114480. Disease mechanism: loss of function.
Fanconi anemia complementation group J. Also called: BRIP1-Related Fanconi Anemia. Identifiers: Orphanet 84, MedGen C1836860, MONDO:0012187, OMIM 609054.

Submission:

Labcorp Genetics (formerly Invitae), Labcorp
Classification: Uncertain significance for Familial cancer of breast; Fanconi anemia complementation group J. Last evaluated: 2019-02-01. Review status: criteria provided, single submitter. Criteria: Invitae Variant Classification Sherloc (09022015). Collection method: clinical testing. Allele origin: germline.
Comment: In summary, the available evidence is currently insufficient to determine the role of this variant in disease. Therefore, it has been classified as a Variant of Uncertain Significance. Algorithms developed to predict the effect of missense changes on protein structure and function (SIFT, PolyPhen-2, Align-GVGD) all suggest that this variant is likely to be tolerated, but these predictions have not been confirmed by published functional studies and their clinical significance is uncertain. This variant has not been reported in the literature in individuals with BRIP1-related conditions. This variant is not present in population databases (ExAC no frequency). This sequence change replaces isoleucine with leucine at codon 202 of the BRIP1 protein (p.Ile202Leu). The isoleucine residue is weakly conserved and there is a small physicochemical difference between isoleucine and leucine.